The following is an entry in ClinVar:

ClinVar aggregate classification (germline): Uncertain significance (1 of 4 stars; one submission).

Conditions:
DOCK2 deficiency. Also called: Immunodeficiency 40. Identifiers: Orphanet 447737, MedGen C4225328, MONDO:0014637, OMIM 616433.

Submission:

Labcorp Genetics (formerly Invitae), Labcorp
Classification: Uncertain significance for DOCK2 deficiency. Last evaluated: 2021-06-30. Review status: criteria provided, single submitter. Criteria: Invitae Variant Classification Sherloc (09022015). Collection method: clinical testing. Allele origin: germline.
Comment: This sequence change replaces serine with arginine at codon 1122 of the DOCK2 protein (p.Ser1122Arg). The serine residue is weakly conserved and there is a moderate physicochemical difference between serine and arginine. This variant is not present in population databases (ExAC no frequency). This variant has not been reported in the literature in individuals with DOCK2-related conditions. Algorithms developed to predict the effect of missense changes on protein structure and function (SIFT, PolyPhen-2, Align-GVGD) all suggest that this variant is likely to be tolerated, but these predictions have not been confirmed by published functional studies and their clinical significance is uncertain. In summary, the available evidence is currently insufficient to determine the role of this variant in disease. Therefore, it has been classified as a Variant of Uncertain Significance.

NM_004946.3(DOCK2):c.3364A>C (p.Ser1122Arg)

Gene: DOCK2 (dedicator of cytokinesis 2; plus strand). Cytogenetic location: 5q35.1.
Variant type: single nucleotide variant.
Coding change: c.3364A>C on transcript NM_004946.3 (MANE Select); coding-DNA position 3364, A replaced by C.
Protein change: p.Ser1122Arg; replaces serine 1122 with arginine.
Molecular consequence: missense variant. On other transcripts: non-coding transcript variant (1).
Genome position (GRCh38, 1-based): chr5:170,019,091, A>C. VCF-style: chr5-170019091-A-C. GRCh37 (hg19) VCF-style: chr5-169446095-A-C.
Other names: short protein forms S1122R.
Identifiers: ClinVar variation 1348972 (VCV001348972.8), dbSNP rs2113821575, ClinGen allele CA362105402.